The following is an entry in ClinVar:

NM_003119.4(SPG7):c.764T>A (p.Leu255Gln)

Gene: SPG7 (SPG7 matrix AAA peptidase subunit, paraplegin; plus strand). Cytogenetic location: 16q24.3.
Variant type: single nucleotide variant.
Coding change: c.764T>A on transcript NM_003119.4 (MANE Select); coding-DNA position 764, T replaced by A.
Protein change: p.Leu255Gln; replaces leucine 255 with glutamine.
Molecular consequence: missense variant.
Genome position (GRCh38, 1-based): chr16:89,529,482, T>A. VCF-style: chr16-89529482-T-A. GRCh37 (hg19) VCF-style: chr16-89595890-T-A.
Other names: c.764T>A, p.Leu255Gln (NM_001363850.1, NM_199367.3); short protein forms L255Q.
Identifiers: ClinVar variation 1508967 (VCV001508967.6), dbSNP rs2058311875, ClinGen allele CA397418635.

ClinVar aggregate classification (germline): Uncertain significance (1 of 4 stars; one submission).

Conditions:
Hereditary spastic paraplegia 7 (SPG7). Also called: SPASTIC PARAPLEGIA 7, AUTOSOMAL RECESSIVE, WITH OR WITHOUT CEREBELLAR ATAXIA; Spastic paraplegia 7; Hereditary spastic paraplegia Paraplegin type; Autosomal recessive spastic paraplegia type 7; SPG7-related neurologic disorder. Identifiers: Orphanet 99013, MedGen C1846564, MONDO:0011803, OMIM 607259.

Submission:

Labcorp Genetics (formerly Invitae), Labcorp
Classification: Uncertain significance for Hereditary spastic paraplegia 7. Last evaluated: 2021-10-05. Review status: criteria provided, single submitter. Criteria: Invitae Variant Classification Sherloc (09022015). Collection method: clinical testing. Allele origin: germline.
Comment: In summary, the available evidence is currently insufficient to determine the role of this variant in disease. Therefore, it has been classified as a Variant of Uncertain Significance. Advanced modeling of protein sequence and biophysical properties (such as structural, functional, and spatial information, amino acid conservation, physicochemical variation, residue mobility, and thermodynamic stability) performed at Invitae indicates that this missense variant is expected to disrupt SPG7 protein function. This variant has not been reported in the literature in individuals affected with SPG7-related conditions. This variant is not present in population databases (ExAC no frequency). This sequence change replaces leucine with glutamine at codon 255 of the SPG7 protein (p.Leu255Gln). The leucine residue is moderately conserved and there is a moderate physicochemical difference between leucine and glutamine.